The following is an entry in ClinVar:

NM_000021.4(PSEN1):c.1129+113T>C

Gene: PSEN1 (presenilin 1; plus strand). Cytogenetic location: 14q24.2.
Variant type: single nucleotide variant.
Coding change: c.1129+113T>C on transcript NM_000021.4 (MANE Select); 113 bases into the intron after coding-DNA position 1129, T replaced by C.
Molecular consequence: intron variant.
Genome position (GRCh38, 1-based): chr14:73,212,055, T>C. VCF-style: chr14-73212055-T-C. GRCh37 (hg19) VCF-style: chr14-73678763-T-C.
Other names: c.1117+113T>C (NM_007318.3).
Identifiers: ClinVar variation 1706826 (VCV001706826.2), dbSNP rs74061005, ClinGen allele CA262618846.
Genomic context (GRCh38, chr14:73,212,055, plus strand): 5'-TTATCAACCTTTTTGAGAATAAAATGAATTGAGAGTGTTACAGTCTAATTCTATATCACA[T>C]GTAACTTTTATTTGGATATATCAGTAATAGTGCTTTTTTTTTTTTTTTTTTTTTTTTTTT-3'

ClinVar aggregate classification (germline): Likely benign (1 of 4 stars; one submission).

Allele frequency attached by ClinVar (database versions not stated): gnomAD exomes 0.00100; gnomAD 0.00709; 1000 Genomes Project 0.00779; TOPMed 0.00805; 1000 Genomes Project 30x 0.00859.
gnomAD v4.1: 1,547 of 634,786 alleles (0.24%); highest among the groups gnomAD compares: African/African-American, 2.5%; 26 homozygotes.

Submission:

GeneDx
Classification: Likely benign. Last evaluated: 2021-05-21. Review status: criteria provided, single submitter. Criteria: GeneDx Variant Classification Process June 2021. Collection method: clinical testing. Allele origin: germline. Affected: yes.
Comment: See Variant Classification Assertion Criteria.